The following is an entry in ClinVar:

ClinVar aggregate classification (germline): Uncertain significance. Review status: criteria provided, multiple submitters, no conflicts (2 of 4 stars). 2 submissions from 2 submitters: Uncertain significance (2). Last evaluated 2024-01-17.

Conditions:
Cardiovascular phenotype. Identifiers: MedGen CN230736.
Hereditary cancer-predisposing syndrome. Also called: Neoplastic Syndromes, Hereditary; Tumor predisposition; Hereditary Cancer Syndrome; Hereditary neoplastic syndrome. Identifiers: Orphanet 140162, MedGen C0027672, MeSH D009386, MONDO:0015356.

Submissions (2):

Labcorp Genetics (formerly Invitae), Labcorp
Classification: Uncertain significance. Last evaluated: 2024-01-17. Review status: criteria provided, single submitter. Criteria: Invitae Variant Classification Sherloc (09022015). Collection method: clinical testing. Allele origin: germline.
Comment: This sequence change replaces leucine, which is neutral and non-polar, with proline, which is neutral and non-polar, at codon 565 of the LZTR1 protein (p.Leu565Pro). This variant is not present in population databases (gnomAD no frequency). This variant has not been reported in the literature in individuals affected with LZTR1-related conditions. ClinVar contains an entry for this variant (Variation ID: 1778207). Advanced modeling of protein sequence and biophysical properties (such as structural, functional, and spatial information, amino acid conservation, physicochemical variation, residue mobility, and thermodynamic stability) performed at Invitae indicates that this missense variant is not expected to disrupt LZTR1 protein function with a negative predictive value of 80%. In summary, the available evidence is currently insufficient to determine the role of this variant in disease. Therefore, it has been classified as a Variant of Uncertain Significance.

Ambry Genetics
Classification: Uncertain significance for Cardiovascular phenotype; Hereditary cancer-predisposing syndrome. Last evaluated: 2022-04-07. Review status: criteria provided, single submitter. Criteria: Ambry Variant Classification Scheme 2023. Collection method: clinical testing. Allele origin: germline.
Comment: The p.L565P variant (also known as c.1694T>C), located in coding exon 15 of the LZTR1 gene, results from a T to C substitution at nucleotide position 1694. The leucine at codon 565 is replaced by proline, an amino acid with similar properties. This amino acid position is conserved. In addition, this alteration is predicted to be deleterious by in silico analysis. Since supporting evidence is limited at this time, the clinical significance of this alteration remains unclear.

NM_006767.4(LZTR1):c.1694T>C (p.Leu565Pro)

Gene: LZTR1 (leucine zipper like post translational regulator 1; plus strand). Cytogenetic location: 22q11.21.
Variant type: single nucleotide variant.
Coding change: c.1694T>C on transcript NM_006767.4 (MANE Select); coding-DNA position 1694, T replaced by C.
Protein change: p.Leu565Pro; replaces leucine 565 with proline.
Molecular consequence: missense variant.
Genome position (GRCh38, 1-based): chr22:20,994,636, T>C. VCF-style: chr22-20994636-T-C. GRCh37 (hg19) VCF-style: chr22-21348925-T-C.
Other names: short protein forms L565P.
Identifiers: ClinVar variation 1778207 (VCV001778207.5), dbSNP rs2518621817, ClinGen allele CA410777840.